The following is an entry in ClinVar:

NM_007294.4(BRCA1):c.5193+2582G>A

Gene: BRCA1 (BRCA1 DNA repair associated; minus strand). Cytogenetic location: 17q21.31.
Variant type: single nucleotide variant.
Coding change: c.5193+2582G>A on transcript NM_007294.4 (MANE Select); 2582 bases into the intron after coding-DNA position 5193, G replaced by A.
Molecular consequence: intron variant.
Genome position (GRCh38, 1-based): chr17:43,060,751, C>T on the plus strand (G>A on the coding strand, the complement: BRCA1 is on the minus strand). VCF-style: chr17-43060751-C-T. GRCh37 (hg19) VCF-style: chr17-41212768-C-T.
Other names: c.1740+2582G>A (NM_001408458.1, NM_001408461.1, NM_001408464.1 and 7 more transcripts); c.4302+2582G>A (NM_001407967.1); c.4812+2582G>A (NM_001407959.1); c.4926+2582G>A (NM_001407931.1, NM_001407932.1, NM_001407928.1 and 4 more transcripts); c.5049+2582G>A (NM_001407747.1, NM_001407745.1, NM_001407737.1 and 21 more transcripts); c.4809+2582G>A (NM_001407962.1, NM_001407960.1); c.1380+2582G>A (NM_001408512.1); c.1503+2582G>A (NM_001408510.1); and 72 more.
Identifiers: ClinVar variation 264803 (VCV000264803.2), dbSNP rs186421008, ClinGen allele CA10588198.

ClinVar aggregate classification (germline): Benign (3 of 4 stars; one submission).

Conditions:
Breast-ovarian cancer, familial, susceptibility to, 1 (BROVCA1). Also called: BRCA1 Hereditary Breast and Ovarian Cancer; OVARIAN CANCER, SUSCEPTIBILITY TO. Identifiers: Orphanet 145, MedGen C2676676, MONDO:0011450, OMIM 604370. Disease mechanism: loss of function.

Allele frequency attached by ClinVar (database versions not stated): gnomAD 0.00809 and 0.00850; 1000 Genomes Project 0.00919; TOPMed 0.00926; 1000 Genomes Project 30x 0.01015.
gnomAD v4.1: 1,219 of 151,436 alleles (0.8%); highest among the groups gnomAD compares: African/African-American, 2.7%; 16 homozygotes.

Submission:

Evidence-based Network for the Interpretation of Germline Mutant Alleles (ENIGMA)
Classification: Benign for Breast-ovarian cancer, familial, susceptibility to, 1. Last evaluated: 2016-09-28. Review status: reviewed by expert panel. Criteria: ENIGMA BRCA1/2 Classification Criteria (2015). Collection method: curation. Allele origin: germline.
Comment: Class 1 not pathogenic based on frequency >1% in an outbred sampleset. Frequency 0.0333 (African), derived from 1000 genomes (2013-05-02).